The following is an entry in ClinVar:

ClinVar aggregate classification (germline): Pathogenic (1 of 4 stars; one submission).

Conditions:
Duchenne muscular dystrophy (DMD). Also called: MUSCULAR DYSTROPHY, PSEUDOHYPERTROPHIC PROGRESSIVE, DUCHENNE TYPE; Duchenne Muscular Dystrophy (DMD). Identifiers: Orphanet 98896, MedGen C0013264, MONDO:0010679, OMIM 310200.

Submission:

Labcorp Genetics (formerly Invitae), Labcorp
Classification: Pathogenic for Duchenne muscular dystrophy. Last evaluated: 2022-06-16. Review status: criteria provided, single submitter. Criteria: Invitae Variant Classification Sherloc (09022015). Collection method: clinical testing. Allele origin: germline.
Comment: For these reasons, this variant has been classified as Pathogenic. This variant has not been reported in the literature in individuals affected with DMD-related conditions. This variant is not present in population databases (gnomAD no frequency). This sequence change creates a premature translational stop signal (p.Arg2218Lysfs*5) in the DMD gene. It is expected to result in an absent or disrupted protein product. Loss-of-function variants in DMD are known to be pathogenic (PMID: 16770791, 25007885).

Literature cited by the submitters: PubMed 16770791; PubMed 25007885.

NM_004006.3(DMD):c.6652dup (p.Arg2218fs)

Gene: DMD (dystrophin; minus strand). Cytogenetic location: Xp21.1.
Variant type: Duplication.
Coding change: c.6652dup on transcript NM_004006.3 (MANE Select); coding-DNA position 6652, one base duplicated (A; older notation c.6652dupA).
Protein change: p.Arg2218fs; shifts the reading frame from arginine 2218.
Molecular consequence: frameshift variant. On other transcripts: 5 prime UTR variant (5).
Genome position (GRCh38, 1-based): chrX:31,932,190, T duplicated on the plus strand (A on the coding strand, the reverse complement: DMD is on the minus strand); the first of 3 consecutive T bases (chrX:31,932,190-31,932,192); duplicating any one gives the same sequence. VCF-style (leftmost placement, unchanged base first): chrX-31932189-C-CT. GRCh37 (hg19) VCF-style: chrX-31950306-C-CT.
Other names: c.6628dup, p.Arg2210fs (NM_000109.4); c.6640dup, p.Arg2214fs (NM_004009.3); c.6283dup, p.Arg2095fs (NM_004010.3); c.2629dup, p.Arg877fs (NM_004011.4); c.2620dup, p.Arg874fs (NM_004012.4); c.-729dup (NM_004013.3, NM_004020.4, NM_004021.3 and 2 more transcripts); short protein forms R2210fs, R874fs, R877fs, R2214fs, R2218fs, R2095fs.
Identifiers: ClinVar variation 2004224 (VCV002004224.4), dbSNP rs1557011929, ClinGen allele CA2580100621.
Genomic context (GRCh38, chrX:31,932,189, plus strand): 5'-AGTGGGATACTAGCAATGTTATCTGCTTCCTCCAACCATAAAACAAATTCATTTAAATCT[C>CT]TTTGAAATTCTGACAAGATATTCTTTTGTTCTTCTAGCCTGGAGAAAGAAGAATAAAATT-3'